The following is an entry in ClinVar:

ClinVar aggregate classification (germline): Uncertain significance. Review status: criteria provided, multiple submitters, no conflicts (2 of 4 stars). 2 submissions from 2 submitters: Uncertain significance (2). Last evaluated 2025-11-27.

Conditions:
Long QT syndrome (LQTS). Identifiers: MedGen C0023976, MeSH D008133, MONDO:0002442. Disease mechanism: loss of function. Inheritance: Various modes of inheritance.

gnomAD v4.1: 10 of 1,605,696 alleles (0.00062%); highest among the groups gnomAD compares: Admixed American, 0.0017%; no homozygotes.

Submissions (2):

Labcorp Genetics (formerly Invitae), Labcorp
Classification: Uncertain significance for Long QT syndrome. Last evaluated: 2025-11-27. Review status: criteria provided, single submitter. Criteria: Invitae Variant Classification Sherloc (09022015). Collection method: clinical testing. Allele origin: germline.
Comment: This sequence change replaces glutamic acid, which is acidic and polar, with alanine, which is neutral and non-polar, at codon 151 of the ANK2 protein (p.Glu151Ala). This variant is present in population databases (no rsID available, gnomAD no frequency). This variant has not been reported in the literature in individuals affected with ANK2-related conditions. ClinVar contains an entry for this variant (Variation ID: 3774867). Invitae Evidence Modeling of protein sequence and biophysical properties (such as structural, functional, and spatial information, amino acid conservation, physicochemical variation, residue mobility, and thermodynamic stability) indicates that this missense variant is not expected to disrupt ANK2 protein function with a negative predictive value of 80%. In summary, the available evidence is currently insufficient to determine the role of this variant in disease. Therefore, it has been classified as a Variant of Uncertain Significance.

GeneDx
Classification: Uncertain significance. Last evaluated: 2024-09-26. Review status: criteria provided, single submitter. Criteria: GeneDx Variant Classification Process June 2021. Collection method: clinical testing. Allele origin: germline. Affected: yes.
Comment: Not observed at significant frequency in large population cohorts (gnomAD); In silico analysis supports that this missense variant has a deleterious effect on protein structure/function; Has not been previously published as pathogenic or benign to our knowledge

NM_001148.6(ANK2):c.452A>C (p.Glu151Ala)

Gene: ANK2 (ankyrin 2; plus strand). Cytogenetic location: 4q26.
Variant type: single nucleotide variant.
Coding change: c.452A>C on transcript NM_001148.6 (MANE Select); coding-DNA position 452, A replaced by C.
Protein change: p.Glu151Ala; replaces glutamic acid 151 with alanine.
Molecular consequence: missense variant.
Genome position (GRCh38, 1-based): chr4:113,232,228, A>C. VCF-style: chr4-113232228-A-C. GRCh37 (hg19) VCF-style: chr4-114153384-A-C.
Other names: c.497A>C, p.Glu166Ala (NM_001354237.2, NM_001354240.2, NM_001354241.2 and 5 more transcripts); c.389A>C, p.Glu130Ala (NM_001354239.2, NM_001354243.2, NM_001354244.2 and 33 more transcripts); c.452A>C, p.Glu151Ala (NM_001354245.2, NM_001354246.2, NM_001354265.2 and 9 more transcripts); c.440A>C, p.Glu147Ala (NM_001354269.3, NM_001386148.2, NM_001386186.2 and 1 more transcripts); c.434A>C, p.Glu145Ala (NM_001386147.1, NM_001386160.1, NM_001354261.2); c.503A>C, p.Glu168Ala (NM_001386174.1, NM_001386175.1); short protein forms E130A, E145A, E147A, E151A, E166A, E168A.
Identifiers: ClinVar variation 3774867 (VCV003774867.2).